The following is an entry in ClinVar:

ClinVar aggregate classification (germline): Uncertain significance. Review status: criteria provided, multiple submitters, no conflicts (2 of 4 stars). 2 submissions from 2 submitters: Uncertain significance (2). Last evaluated 2026-01-20.

Conditions:
Emery-Dreifuss muscular dystrophy (EDMD). Also called: Scapuloperoneal syndrome, X-linked (formerly); Humeroperoneal neuromuscular disease, (formerly). Identifiers: Orphanet 261, MedGen C0410189, MONDO:0016830.

Allele frequency attached by ClinVar (database versions not stated): ESP Exome Variant Server 0.00008; gnomAD 0.00008 and 0.00009; TOPMed 0.00009; gnomAD exomes 0.00010 and 0.00021; ExAC 0.00011.
gnomAD v4.1: 314 of 1,614,090 alleles (0.019%); highest among the groups gnomAD compares: Non-Finnish European, 0.024%; no homozygotes.

Submissions (2):

Labcorp Genetics (formerly Invitae), Labcorp
Classification: Uncertain significance for Emery-Dreifuss muscular dystrophy. Last evaluated: 2026-01-20. Review status: criteria provided, single submitter. Criteria: Invitae Variant Classification Sherloc (09022015). Collection method: clinical testing. Allele origin: germline.
Comment: This sequence change replaces glutamic acid, which is acidic and polar, with glutamine, which is neutral and polar, at codon 142 of the SUN1 protein (p.Glu142Gln). This variant is present in population databases (rs369804846, gnomAD 0.02%). This variant has not been reported in the literature in individuals affected with SUN1-related conditions. ClinVar contains an entry for this variant (Variation ID: 934178). An algorithm developed to predict the effect of missense changes on protein structure and function (PolyPhen-2) suggests that this variant is likely to be disruptive. In summary, the available evidence is currently insufficient to determine the role of this variant in disease. Therefore, it has been classified as a Variant of Uncertain Significance.

Ambry Genetics
Classification: Uncertain significance. Last evaluated: 2025-03-26. Review status: criteria provided, single submitter. Criteria: Ambry Variant Classification Scheme 2023. Collection method: clinical testing. Allele origin: germline.

NM_001130965.3(SUN1):c.424G>C (p.Glu142Gln)

Gene: SUN1 (Sad1 and UNC84 domain containing 1; plus strand). Cytogenetic location: 7p22.3.
Variant type: single nucleotide variant.
Coding change: c.424G>C on transcript NM_001130965.3 (MANE Select); coding-DNA position 424, G replaced by C.
Protein change: p.Glu142Gln; replaces glutamic acid 142 with glutamine.
Molecular consequence: missense variant. On other transcripts: 5 prime UTR variant (4), non-coding transcript variant (3).
Genome position (GRCh38, 1-based): chr7:842,103, G>C. VCF-style: chr7-842103-G-C. GRCh37 (hg19) VCF-style: chr7-881740-G-C.
Other names: c.424G>C, p.Glu142Gln (NM_001171944.2, NM_001171946.2, NM_001367633.1 and 34 more transcripts); c.487G>C, p.Glu163Gln (NM_001171945.2); c.-34G>C (NM_001367635.1); c.274G>C, p.Glu92Gln (NM_001367636.1, NM_001367637.1, NM_001367644.1 and 24 more transcripts); c.-144G>C (NM_001367639.1, NM_001367708.1); c.643G>C, p.Glu215Gln (NM_001367651.1); c.-338G>C (NM_001367658.1); c.235G>C, p.Glu79Gln (NM_001367695.1); short protein forms E163Q, E215Q, E79Q, E92Q, E142Q.
Identifiers: ClinVar variation 934178 (VCV000934178.10), dbSNP rs369804846, ClinGen allele CA4111497.
Genomic context (GRCh38, chr7:842,103, plus strand): 5'-GTCAGCCTGCAGGATGCTGTGACTCGACGGCCTCCTGTATTGGACGAGTCTTGGATTCGT[G>C]AACAGACCACAGTGGACCACTTCTGGGGTGAGTCCCTGCGAGACACAGATTGTCCCGCCT-3'
Protein context (NP_001124437.1, residues 132-152): PPVLDESWIR[Glu142Gln]QTTVDHFWGL